The following is an entry in ClinVar:

NM_001852.4(COL9A2):c.747T>C (p.His249=)

Gene: COL9A2 (collagen type IX alpha 2 chain; minus strand). Cytogenetic location: 1p34.2.
Variant type: single nucleotide variant.
Coding change: c.747T>C on transcript NM_001852.4 (MANE Select); coding-DNA position 747, T replaced by C.
Protein change: p.His249=; no amino-acid change (histidine 249 retained).
Molecular consequence: synonymous variant.
Genome position (GRCh38, 1-based): chr1:40,310,156, A>G on the plus strand (T>C on the coding strand, the complement: COL9A2 is on the minus strand). VCF-style: chr1-40310156-A-G. GRCh37 (hg19) VCF-style: chr1-40775828-A-G.
Other names: c.747T>C (NM_001852.3).
Identifiers: ClinVar variation 2420719 (VCV002420719.8), dbSNP rs747499674, ClinGen allele CA791764.

ClinVar aggregate classification (germline): Likely benign. Review status: criteria provided, multiple submitters, no conflicts (2 of 4 stars). 2 submissions from 2 submitters: Likely benign (2). Last evaluated 2026-02-04.

Conditions:
COL9A2-related disorder. Also called: COL9A2-related condition.

gnomAD v4.1: 35 of 1,613,866 alleles (0.0022%); highest among the groups gnomAD compares: Non-Finnish European, 0.0029%; no homozygotes.

Submissions (2):

PreventionGenetics, part of Exact Sciences
Classification: Likely benign for COL9A2-related condition. Last evaluated: 2026-02-04. Review status: criteria provided, single submitter. Criteria: ACMG Guidelines, 2015. Collection method: clinical testing. Allele origin: germline.
Comment: This variant is classified as likely benign based on ACMG/AMP sequence variant interpretation guidelines (Richards et al. 2015 PMID: 25741868, with internal and published modifications).

Labcorp Genetics (formerly Invitae), Labcorp
Classification: Likely benign. Last evaluated: 2023-09-20. Review status: criteria provided, single submitter. Criteria: Invitae Variant Classification Sherloc (09022015). Collection method: clinical testing. Allele origin: germline.